The following is an entry in ClinVar:

ClinVar aggregate classification (germline): Conflicting classifications of pathogenicity. Review status: criteria provided, conflicting classifications (1 of 4 stars). 6 submissions from 6 submitters: Uncertain significance (2); Likely benign (4). Last evaluated 2026-01-27.

Conditions:
COL18A1-related disorder. Also called: COL18A1-related disorders; COL18A1-related condition.

Allele frequency attached by ClinVar (database versions not stated): gnomAD exomes 0.00015 and 0.00030; ExAC 0.00048; 1000 Genomes Project 0.00080; gnomAD 0.00122 and 0.00133; ESP Exome Variant Server 0.00135; TOPMed 0.00146; 1000 Genomes Project 30x 0.00172.
gnomAD v4.1: 409 of 1,612,272 alleles (0.025%); highest among the groups gnomAD compares: African/African-American, 0.46%; no homozygotes.

Submissions (6):

Labcorp Genetics (formerly Invitae), Labcorp
Classification: Likely benign. Last evaluated: 2026-01-27. Review status: criteria provided, single submitter. Criteria: Invitae Variant Classification Sherloc (09022015). Collection method: clinical testing. Allele origin: germline.

PreventionGenetics, part of Exact Sciences
Classification: Likely benign for COL18A1-related condition. Last evaluated: 2025-07-21. Review status: criteria provided, single submitter. Criteria: ACMG Guidelines, 2015. Collection method: clinical testing. Allele origin: germline.
Comment: This variant is classified as likely benign based on ACMG/AMP sequence variant interpretation guidelines (Richards et al. 2015 PMID: 25741868, with internal and published modifications).

Blueprint Genetics
Classification: Likely benign. Last evaluated: 2024-09-16. Review status: criteria provided, single submitter. Criteria: ACMG Guidelines, 2015. Collection method: clinical testing. Allele origin: germline.

GeneDx
Classification: Uncertain significance. Last evaluated: 2024-02-08. Review status: criteria provided, single submitter. Criteria: GeneDx Variant Classification Process June 2021. Collection method: clinical testing. Allele origin: germline. Affected: yes.
Comment: Reported in an individual with Down syndrome and atrioventricular septal defect (PMID: 23040494); In silico analysis supports that this missense variant has a deleterious effect on protein structure/function; This variant is associated with the following publications: (PMID: 23040494)

Women's Health and Genetics/Laboratory Corporation of America, LabCorp
Classification: Uncertain significance. Last evaluated: 2023-09-20. Review status: criteria provided, single submitter. Criteria: LabCorp Variant Classification Summary - May 2015. Collection method: clinical testing. Allele origin: germline.
Comment: Variant summary: COL18A1 c.3920C>T (p.Ser1307Leu) results in a non-conservative amino acid change located in the collagenase non-helical region 10/endostatin domain (IPR010515) of the encoded protein sequence. Three of five in-silico tools predict a benign effect of the variant on protein function. The variant allele was found at a frequency of 0.0003 in 243722 control chromosomes, predominantly at a frequency of 0.0047 within the African or African-American subpopulation in the gnomAD database, suggesting the variant could be a benign polymorphism found primarily in individuals of African/African American ancestry. To our knowledge, no occurrence of c.3920C>T in individuals affected with Knobloch Syndrome 1 and no experimental evidence demonstrating its impact on protein function have been reported. One submitter has cited a clinical-significance assessment for this variant to ClinVar after 2014 and has classified the variant as likely benign. Based on the evidence outlined above, the variant was classified as VUS-possibly benign.

Breakthrough Genomics
Classification: Likely benign. Review status: criteria provided, single submitter. Criteria: ACMG Guidelines, 2015. Collection method: not provided. Allele origin: germline. Inheritance: Autosomal recessive inheritance. Affected: yes.

NM_001379500.1(COL18A1):c.3920C>T (p.Ser1307Leu)

Genes: SLC19A1 (solute carrier family 19 member 1; minus strand), COL18A1 (collagen type XVIII alpha 1 chain; plus strand). Cytogenetic location: 21q22.3.
Variant type: single nucleotide variant.
Coding change: c.3920C>T on transcript NM_001379500.1 (MANE Select); coding-DNA position 3920, C replaced by T.
Protein change: p.Ser1307Leu; replaces serine 1307 with leucine.
Molecular consequence: missense variant.
Genome position (GRCh38, 1-based): chr21:45,512,298, C>T. VCF-style: chr21-45512298-C-T. GRCh37 (hg19) VCF-style: chr21-46932212-C-T.
Other names: NM_130445.2:c.3911C>T; c.4451C>T, p.Ser1484Leu (NM_030582.4); c.5156C>T, p.Ser1719Leu (NM_130444.3); c.4451C>T (NM_030582.3); short protein forms S1307L, S1484L, S1719L.
Identifiers: ClinVar variation 1121349 (VCV001121349.14), dbSNP rs61735035, ClinGen allele CA10068134.